The following is an entry in ClinVar:

NM_000143.4(FH):c.809A>G (p.Tyr270Cys)

Gene: FH (fumarate hydratase; minus strand). Cytogenetic location: 1q43.
Variant type: single nucleotide variant.
Coding change: c.809A>G on transcript NM_000143.4 (MANE Select); coding-DNA position 809, A replaced by G.
Protein change: p.Tyr270Cys; replaces tyrosine 270 with cysteine.
Molecular consequence: missense variant.
Genome position (GRCh38, 1-based): chr1:241,506,098, T>C on the plus strand (A>G on the coding strand, the complement: FH is on the minus strand). VCF-style: chr1-241506098-T-C. GRCh37 (hg19) VCF-style: chr1-241669398-T-C.
Other names: short protein forms Y270C.
Identifiers: ClinVar variation 460378 (VCV000460378.27), dbSNP rs202060616, ClinGen allele CA1478602.

ClinVar aggregate classification (germline): Conflicting classifications of pathogenicity. Review status: criteria provided, conflicting classifications (1 of 4 stars). 8 submissions from 8 submitters: Uncertain significance (6); Likely benign (1). 1 of the submissions does not count toward it. Last evaluated 2026-01-27.

Conditions:
Hereditary cancer-predisposing syndrome. Also called: Neoplastic Syndromes, Hereditary; Tumor predisposition; Hereditary neoplastic syndrome; Hereditary Cancer Syndrome. Identifiers: Orphanet 140162, MedGen C0027672, MeSH D009386, MONDO:0015356.
Hereditary leiomyomatosis and renal cell cancer. Also called: MULTIPLE CUTANEOUS AND UTERINE LEIOMYOMATA 1, WITH OR WITHOUT RENAL CELL CARCINOMA; FH tumor predisposition syndrome; LEIOMYOMA, MULTIPLE CUTANEOUS; Multiple cutaneous leiomyomas; Reed syndrome; Multiple cutaneous and uterine leiomyomatosis. Identifiers: Orphanet 523, MedGen C1708350, MONDO:0007888, OMIM 150800, HP:0007437. Disease mechanism: loss of function.
Fumarase deficiency (FMRD). Also called: Fumaric aciduria; Fumarate Hydratase Deficiency. Identifiers: Orphanet 24, MedGen C0342770, MONDO:0011730, OMIM 606812.

Allele frequency attached by ClinVar (database versions not stated): ExAC 0.00001; gnomAD exomes 0.00002 and 0.00003; gnomAD 0.00004 and 0.00005; TOPMed 0.00007.

Submissions (8):

Labcorp Genetics (formerly Invitae), Labcorp
Classification: Uncertain significance. Last evaluated: 2026-01-27. Review status: criteria provided, single submitter. Criteria: Invitae Variant Classification Sherloc (09022015). Collection method: clinical testing. Allele origin: germline.
Comment: This sequence change replaces tyrosine, which is neutral and polar, with cysteine, which is neutral and slightly polar, at codon 270 of the FH protein (p.Tyr270Cys). This variant is present in population databases (rs202060616, gnomAD 0.01%). This variant has not been reported in the literature in individuals affected with FH-related conditions. ClinVar contains an entry for this variant (Variation ID: 460378). Invitae Evidence Modeling of protein sequence and biophysical properties (such as structural, functional, and spatial information, amino acid conservation, physicochemical variation, residue mobility, and thermodynamic stability) has been performed for this missense variant. However, the output from this modeling did not meet the statistical confidence thresholds required to predict the impact of this variant on FH protein function. RNA analysis performed to evaluate the impact of this missense change on mRNA splicing indicates it does not significantly alter splicing (internal data). In summary, the available evidence is currently insufficient to determine the role of this variant in disease. Therefore, it has been classified as a Variant of Uncertain Significance.

Center for Genomic Medicine, Rigshospitalet, Copenhagen University Hospital
Classification: Uncertain significance. Last evaluated: 2025-12-29. Review status: criteria provided, single submitter. Criteria: ACMG Guidelines, 2015. Collection method: clinical testing. Allele origin: germline.
Comment: Classification criteria: PP3

Quest Diagnostics Nichols Institute San Juan Capistrano
Classification: Uncertain significance. Last evaluated: 2025-08-29. Review status: criteria provided, single submitter. Criteria: Quest Diagnostics criteria. Collection method: clinical testing. Allele origin: unknown.
Comment: This test has identified one copy of the c.809A>G (p.Tyr270Cys) variant in the FH gene. To the best of our knowledge, this variant has not been reported in the published literature. The frequency of this variant in the general population (Genome Aggregation Database) is uninformative in the assessment of its pathogenicity. Analysis of this variant using bioinformatics tools (i.e., MutationTaster and PolyPhen-2) for the prediction of the effect of amino acid changes on protein structure and function yielded predictions that this variant is damaging. Based on the available information, we are unable to determine the clinical significance of this variant.

Ambry Genetics
Classification: Uncertain significance for Hereditary cancer-predisposing syndrome. Last evaluated: 2025-08-07. Review status: criteria provided, single submitter. Criteria: Ambry Variant Classification Scheme 2023. Collection method: clinical testing. Allele origin: germline.
Comment: The p.Y270C variant (also known as c.809A>G), located in coding exon 6 of the FH gene, results from an A to G substitution at nucleotide position 809. The tyrosine at codon 270 is replaced by cysteine, an amino acid with highly dissimilar properties. This amino acid position is highly conserved in available vertebrate species. In addition, this alteration is predicted to be deleterious by in silico analysis. This variant has been identified in multiple individuals with no reported features of FH-associated leiomyomatosis or renal cell cancer (Ambry internal data). Based on the available evidence, the clinical significance of this variant remains unclear.

Myriad Genetics, Inc.
Classification: Likely benign for Hereditary leiomyomatosis and renal cell cancer. Last evaluated: 2024-10-18. Review status: criteria provided, single submitter. Criteria: Myriad Autosomal Dominant, Autosomal Recessive and X-Linked Classification Criteria (2023). Collection method: clinical testing. Allele origin: unknown.
Comment: This variant is considered likely benign. This variant has been observed at a population frequency that is significantly greater than expected given the associated disease prevalence and penetrance.

Blueprint Genetics
Classification: Uncertain significance. Last evaluated: 2024-09-06. Review status: criteria provided, single submitter. Criteria: ACMG Guidelines, 2015. Collection method: clinical testing. Allele origin: germline.

GeneDx
Classification: Uncertain significance. Last evaluated: 2024-03-20. Review status: criteria provided, single submitter. Criteria: GeneDx Variant Classification Process June 2021. Collection method: clinical testing. Allele origin: germline. Affected: yes.
Comment: Not observed at significant frequency in large population cohorts (gnomAD); In silico analysis supports that this missense variant has a deleterious effect on protein structure/function; Has not been previously published as pathogenic or benign to our knowledge

Natera, Inc.
Classification: Uncertain significance for Fumarase Deficiency. Last evaluated: 2020-03-04. Review status: no assertion criteria provided. Collection method: clinical testing. Allele origin: germline. Not counted in ClinVar's aggregate classification.